The following is an entry in ClinVar:

NM_017662.5(TRPM6):c.1969A>G (p.Met657Val)

Gene: TRPM6 (transient receptor potential cation channel subfamily M member 6; minus strand). Cytogenetic location: 9q21.13.
Variant type: single nucleotide variant.
Coding change: c.1969A>G on transcript NM_017662.5 (MANE Select); coding-DNA position 1969, A replaced by G.
Protein change: p.Met657Val; replaces methionine 657 with valine.
Molecular consequence: missense variant.
Genome position (GRCh38, 1-based): chr9:74,801,938, T>C on the plus strand (A>G on the coding strand, the complement: TRPM6 is on the minus strand). VCF-style: chr9-74801938-T-C. GRCh37 (hg19) VCF-style: chr9-77416854-T-C.
Other names: c.1954A>G, p.Met652Val (NM_001177310.2, NM_001177311.2); short protein forms M652V, M657V.
Identifiers: ClinVar variation 2118910 (VCV002118910.4), dbSNP rs777868985, ClinGen allele CA5084695.
Genomic context (GRCh38, chr9:74,801,938, plus strand): 5'-AGTGAAGAGAGAACACTTACTTTGAGTAATTCTTCAACTCTTCTGAGGCATCATCCACCA[T>C]GTGACTCTCCTTAGCTTCATGGGCCATTGCCCGGTAGAGGATACACGCAATCACGGCTTT-3'
Protein context (NP_060132.3, residues 647-667): AMAHEAKESH[Met657Val]VDDASEELKN

ClinVar aggregate classification (germline): Uncertain significance (1 of 4 stars; one submission).

Allele frequency attached by ClinVar (database versions not stated): ExAC 0.00002.
gnomAD v4.1: 5 of 1,614,236 alleles (0.00031%); highest among the groups gnomAD compares: Admixed American, 0.0033%; no homozygotes.

Submission:

Labcorp Genetics (formerly Invitae), Labcorp
Classification: Uncertain significance. Last evaluated: 2022-11-01. Review status: criteria provided, single submitter. Criteria: Invitae Variant Classification Sherloc (09022015). Collection method: clinical testing. Allele origin: germline.
Comment: This sequence change replaces methionine, which is neutral and non-polar, with valine, which is neutral and non-polar, at codon 657 of the TRPM6 protein (p.Met657Val). This variant is present in population databases (rs777868985, gnomAD 0.006%). This variant has not been reported in the literature in individuals affected with TRPM6-related conditions. Advanced modeling of protein sequence and biophysical properties (such as structural, functional, and spatial information, amino acid conservation, physicochemical variation, residue mobility, and thermodynamic stability) performed at Invitae indicates that this missense variant is not expected to disrupt TRPM6 protein function. In summary, the available evidence is currently insufficient to determine the role of this variant in disease. Therefore, it has been classified as a Variant of Uncertain Significance.